The following is an entry in ClinVar:

NM_018139.3(DNAAF2):c.1468A>G (p.Ser490Gly)

Gene: DNAAF2 (dynein axonemal assembly factor 2; minus strand). Cytogenetic location: 14q21.3.
Variant type: single nucleotide variant.
Coding change: c.1468A>G on transcript NM_018139.3 (MANE Select); coding-DNA position 1468, A replaced by G.
Protein change: p.Ser490Gly; replaces serine 490 with glycine.
Molecular consequence: missense variant. On other transcripts: 5 prime UTR variant (1).
Genome position (GRCh38, 1-based): chr14:49,633,682, T>C on the plus strand (A>G on the coding strand, the complement: DNAAF2 is on the minus strand). VCF-style: chr14-49633682-T-C. GRCh37 (hg19) VCF-style: chr14-50100400-T-C.
Other names: c.1468A>G, p.Ser490Gly (NM_001083908.2); c.-404A>G (NM_001378453.1); short protein forms S490G.
Identifiers: ClinVar variation 882491 (VCV000882491.21), dbSNP rs367597118, ClinGen allele CA7172908.

ClinVar aggregate classification (germline): Uncertain significance. Review status: criteria provided, multiple submitters, no conflicts (2 of 4 stars). 4 submissions from 4 submitters: Uncertain significance (4). Last evaluated 2025-04-09.

Conditions:
Primary ciliary dyskinesia 10. Also called: CILIARY DYSKINESIA, PRIMARY, 10, WITH OR WITHOUT SITUS INVERSUS. Identifiers: Orphanet 244, MedGen C2675867, MONDO:0012918, OMIM 612518.
Primary ciliary dyskinesia. Also called: Ciliary dyskinesia. Identifiers: Orphanet 244, MedGen C0008780, MONDO:0016575, HP:0012265.

Allele frequency attached by ClinVar (database versions not stated): gnomAD exomes 0.00001 and 0.00002; ExAC 0.00002; ESP Exome Variant Server 0.00008; gnomAD 0.00008 and 0.00009; TOPMed 0.00009.
gnomAD v4.1: 27 of 1,607,214 alleles (0.0017%); highest among the groups gnomAD compares: African/African-American, 0.029%; no homozygotes.

Submissions (4):

Ambry Genetics
Classification: Uncertain significance for Primary ciliary dyskinesia. Last evaluated: 2025-04-09. Review status: criteria provided, single submitter. Criteria: Ambry Variant Classification Scheme 2023. Collection method: clinical testing. Allele origin: germline.

Labcorp Genetics (formerly Invitae), Labcorp
Classification: Uncertain significance for Primary ciliary dyskinesia. Last evaluated: 2024-11-22. Review status: criteria provided, single submitter. Criteria: Invitae Variant Classification Sherloc (09022015). Collection method: clinical testing. Allele origin: germline.
Comment: This sequence change replaces serine, which is neutral and polar, with glycine, which is neutral and non-polar, at codon 490 of the DNAAF2 protein (p.Ser490Gly). This variant is present in population databases (rs367597118, gnomAD 0.04%). This variant has not been reported in the literature in individuals affected with DNAAF2-related conditions. ClinVar contains an entry for this variant (Variation ID: 882491). An algorithm developed to predict the effect of missense changes on protein structure and function (PolyPhen-2) suggests that this variant is likely to be tolerated. In summary, the available evidence is currently insufficient to determine the role of this variant in disease. Therefore, it has been classified as a Variant of Uncertain Significance.

Blueprint Genetics
Classification: Uncertain significance. Last evaluated: 2022-10-28. Review status: criteria provided, single submitter. Criteria: ACMG Guidelines, 2015. Collection method: clinical testing. Allele origin: germline.

Illumina Laboratory Services, Illumina
Classification: Uncertain significance for Primary ciliary dyskinesia 10. Last evaluated: 2018-01-13. Review status: criteria provided, single submitter. Criteria: ICSL Variant Classification Criteria 13 December 2019. Collection method: clinical testing. Allele origin: germline.